The following is an entry in ClinVar:

ClinVar aggregate classification (germline): Pathogenic (1 of 4 stars; one submission).

Conditions:
Sialic acid storage disease, severe infantile type (ISSD). Also called: N-ACETYLNEURAMINIC ACID STORAGE DISEASE; NANA STORAGE DISEASE; INFANTILE SIALIC ACID STORAGE DISORDER; SIALURIA, INFANTILE FORM; Infantile Sialic Acid Storage Disease; Free sialic acid storage disease, infantile form. Identifiers: Orphanet 309324, Orphanet 834, MedGen C1096902, MONDO:0010027, OMIM 269920.

Submission:

Myriad Genetics, Inc.
Classification: Pathogenic for Sialic acid storage disease, severe infantile type. Last evaluated: 2024-08-19. Review status: criteria provided, single submitter. Criteria: Myriad Autosomal Dominant, Autosomal Recessive and X-Linked Classification Criteria (2023). Collection method: clinical testing. Allele origin: unknown.
Comment: NM_012434.4(SLC17A5):c.295A>T(K99*) is expected to be pathogenic in the context of free sialic acid storage disorders. This variant is predicted to lead to an abnormal or absent protein product due to the creation of a premature termination codon in SLC17A5, a gene where loss-of-function variants are known to be pathogenic. Please note: this variant was assessed in the context of healthy population screening.

NM_012434.5(SLC17A5):c.295A>T (p.Lys99Ter)

Genes: SLC17A5 (solute carrier family 17 member 5; minus strand), LOC132089454 (Neanderthal introgressed variant-containing enhancer experimental_94412; plus strand). Cytogenetic location: 6q13.
Variant type: single nucleotide variant.
Coding change: c.295A>T on transcript NM_012434.5 (MANE Select); coding-DNA position 295, A replaced by T.
Protein change: p.Lys99Ter; replaces lysine 99 with a stop codon.
Molecular consequence: nonsense.
Genome position (GRCh38, 1-based): chr6:73,641,921, T>A on the plus strand (A>T on the coding strand, the complement: SLC17A5 is on the minus strand). VCF-style: chr6-73641921-T-A. GRCh37 (hg19) VCF-style: chr6-74351644-T-A.
Other names: c.64A>T, p.Lys22Ter (NM_001382629.1, NM_001382636.1); c.295A>T, p.Lys99Ter (NM_001382630.1, NM_001382632.1, NM_001382633.1 and 2 more transcripts); c.316A>T, p.Lys106Ter (NM_001382631.1); short protein forms K106*, K22*, K99*.
Identifiers: ClinVar variation 5013462 (VCV005013462.1).